The following is an entry in ClinVar:

NM_000535.7(PMS2):c.427del (p.Ile143fs)

Gene: PMS2 (PMS1 homolog 2, mismatch repair system component; minus strand). Cytogenetic location: 7p22.1.
Variant type: Deletion.
Coding change: c.427del on transcript NM_000535.7 (MANE Select); coding-DNA position 427, one base deleted (A; older notation c.427delA).
Protein change: p.Ile143fs; shifts the reading frame from isoleucine 143.
Molecular consequence: frameshift variant. On other transcripts: 5 prime UTR variant (2), non-coding transcript variant (1), intron variant (1).
Genome position (GRCh38, 1-based): chr7:6,002,563, T deleted on the plus strand (A on the coding strand, the reverse complement: PMS2 is on the minus strand); the first of 4 consecutive T bases (chr7:6,002,563-6,002,566); deleting any one gives the same sequence. VCF-style (leftmost placement, unchanged base first): chr7-6002562-AT-A. GRCh37 (hg19) VCF-style: chr7-6042193-AT-A.
Other names: c.19delA, p.Ile8Leufs (NM_001018040.1); c.22del, p.Ile8fs (NM_001322003.2, NM_001322004.2, NM_001322005.2 and 24 more transcripts); c.427del, p.Ile143fs (NM_001322006.2, NM_001322014.2, NM_001406869.1 and 8 more transcripts); c.109del, p.Ile37fs (NM_001322007.2, NM_001322008.2, NM_001406876.1 and 4 more transcripts); c.-458del (NM_001322011.2, NM_001322012.2); c.118del, p.Ile40fs (NM_001322015.2, NM_001406875.1, NM_001406877.1 and 6 more transcripts); c.613del, p.Ile205fs (NM_001406866.1); c.451del, p.Ile151fs (NM_001406868.1); and 1 more; short protein forms I143fs, I205fs, I40fs, I8fs, I151fs, I37fs.
Identifiers: ClinVar variation 2982270 (VCV002982270.3), dbSNP rs2536447695, ClinGen allele CA2681678201.

ClinVar aggregate classification (germline): Pathogenic (1 of 4 stars; one submission).

Conditions:
Hereditary nonpolyposis colorectal neoplasms. Identifiers: MedGen C0009405, MeSH D003123.

Submission:

Labcorp Genetics (formerly Invitae), Labcorp
Classification: Pathogenic for Hereditary nonpolyposis colorectal neoplasms. Last evaluated: 2022-10-07. Review status: criteria provided, single submitter. Criteria: Invitae Variant Classification Sherloc (09022015). Collection method: clinical testing. Allele origin: germline.
Comment: This sequence change creates a premature translational stop signal (p.Ile143Leufs*58) in the PMS2 gene. It is expected to result in an absent or disrupted protein product. Loss-of-function variants in PMS2 are known to be pathogenic (PMID: 21376568, 24362816). This variant is not present in population databases (gnomAD no frequency). This premature translational stop signal has been observed in individual(s) with clinical features of PMS2-related conditions (PMID: 31992580). For these reasons, this variant has been classified as Pathogenic.

Literature cited by the submitters: PubMed 21376568; PubMed 24362816; PubMed 31992580.